The following is an entry in ClinVar:

NM_025233.7(COASY):c.215A>G (p.Tyr72Cys)

Gene: COASY (Coenzyme A synthase; plus strand). Cytogenetic location: 17q21.2.
Variant type: single nucleotide variant.
Coding change: c.215A>G on transcript NM_025233.7 (MANE Select); coding-DNA position 215, A replaced by G.
Protein change: p.Tyr72Cys; replaces tyrosine 72 with cysteine.
Molecular consequence: missense variant.
Genome position (GRCh38, 1-based): chr17:42,562,837, A>G. VCF-style: chr17-42562837-A-G. GRCh37 (hg19) VCF-style: chr17-40714855-A-G.
Other names: c.215A>G (NM_025233.6); c.215A>G, p.Tyr72Cys (NM_001042529.3); c.302A>G, p.Tyr101Cys (NM_001042532.4); short protein forms Y101C, Y72C.
Identifiers: ClinVar variation 2202647 (VCV002202647.4), dbSNP rs1435541208, ClinGen allele CA399617077.

ClinVar aggregate classification (germline): Conflicting classifications of pathogenicity. Review status: criteria provided, conflicting classifications (1 of 4 stars). 3 submissions from 3 submitters: Likely pathogenic (1); Uncertain significance (2). Last evaluated 2025-02-12.

Conditions:
Neurodegeneration with brain iron accumulation 6 (NBIA6). Also called: COASY protein-associated neurodegeneration. Identifiers: Orphanet 397725, MedGen C4517377, MONDO:0014290, OMIM 615643.

Allele frequency attached by ClinVar (database versions not stated): TOPMed 0.00002.
gnomAD v4.1: 23 of 1,613,244 alleles (0.0014%); highest among the groups gnomAD compares: African/African-American, 0.0067%; no homozygotes.

Submissions (3):

GeneDx
Classification: Uncertain significance. Last evaluated: 2025-02-12. Review status: criteria provided, single submitter. Criteria: GeneDx Variant Classification Process June 2021. Collection method: clinical testing. Allele origin: germline. Affected: yes.
Comment: Not observed at significant frequency in large population cohorts (gnomAD); In silico analysis supports that this missense variant has a deleterious effect on protein structure/function; Apparently homozygous in an individual with microcephaly, fine/gross motor delay, intellectual disability, blindness, hypotonia, and seizures who underwent exome sequencing (PMID: 31130284); This variant is associated with the following publications: (PMID: 31130284)

Labcorp Genetics (formerly Invitae), Labcorp
Classification: Uncertain significance for Neurodegeneration with brain iron accumulation 6. Last evaluated: 2024-10-28. Review status: criteria provided, single submitter. Criteria: Invitae Variant Classification Sherloc (09022015). Collection method: clinical testing. Allele origin: germline.
Comment: This sequence change replaces tyrosine, which is neutral and polar, with cysteine, which is neutral and slightly polar, at codon 72 of the COASY protein (p.Tyr72Cys). This variant is not present in population databases (gnomAD no frequency). This missense change has been observed in individual(s) with clinical features of COASY-related conditions (PMID: 31130284). ClinVar contains an entry for this variant (Variation ID: 2202647). Invitae Evidence Modeling of protein sequence and biophysical properties (such as structural, functional, and spatial information, amino acid conservation, physicochemical variation, residue mobility, and thermodynamic stability) indicates that this missense variant is expected to disrupt COASY protein function with a positive predictive value of 80%. In summary, the available evidence is currently insufficient to determine the role of this variant in disease. Therefore, it has been classified as a Variant of Uncertain Significance.

Victorian Clinical Genetics Services, Murdoch Childrens Research Institute
Classification: Likely pathogenic for Neurodegeneration with brain iron accumulation 6. Last evaluated: 2023-07-17. Review status: criteria provided, single submitter. Criteria: ACMG Guidelines, 2015. Collection method: clinical testing. Allele origin: germline. Inheritance: Autosomal recessive inheritance.
Comment: Based on the classification scheme VCGS_Germline_v1.3.3, this variant is classified as Likely Pathogenic. Following criteria are met: 0102 - Loss of function is a known mechanism of disease in this gene and is associated with COASY protein-associated neurodegeneration (PMID: 24360804). (I) 0106 - This gene is associated with autosomal recessive disease. (I) 0200 - Variant is predicted to result in a missense amino acid change from tyrosine to cysteine. (I) 0251 - This variant is heterozygous. (I) 0304 - Variant is present in gnomAD <0.01 for a recessive condition (v3: 3 heterozygotes, 0 homozygotes). (SP) 0309 - Multiple alternative amino acid changes at the same position have been observed in gnomAD (v2: highest allele count: 1 heterozygote, 0 homozygotes). (I) 0501 - Missense variant consistently predicted to be damaging by multiple in silico tools or highly conserved with a major amino acid change. (SP) 0604 - Variant is not located in an established domain, motif, hotspot or informative constraint region. (I) 0705 - No comparable missense variants affecting the same codon have previous evidence for pathogenicity. (I) 0807 - This variant has no previous evidence of pathogenicity. (I) 0905 - No published segregation evidence has been identified for this variant. (I) 1007 - No published functional evidence has been identified for this variant. (I) 1102 - Strong phenotype match for this individual. (SP) 1201 - Heterozygous variant detected in trans with a second pathogenic heterozygous variant (NM_025233.6(COASY):c.1403_1404dupTG; p.(Ile469*)) in a recessive disease. (I) Legend: (SP) - Supporting pathogenic, (I) - Information, (SB) - Supporting benign

Literature cited by the submitters: PubMed 31130284 (cited by Labcorp Genetics (formerly Invitae), Labcorp); PubMed 24360804 (cited by Victorian Clinical Genetics Services, Murdoch Childrens Research Institute).